The following is an entry in ClinVar:

NM_022042.4(SLC26A1):c.1162G>C (p.Ala388Pro)

Genes: IDUA (alpha-L-iduronidase; plus strand), SLC26A1 (solute carrier family 26 member 1; minus strand). Cytogenetic location: 4p16.3.
Variant type: single nucleotide variant.
Coding change: c.1162G>C on transcript NM_022042.4 (MANE Select); coding-DNA position 1162, G replaced by C.
Protein change: p.Ala388Pro; replaces alanine 388 with proline.
Molecular consequence: missense variant. On other transcripts: intron variant (2).
Genome position (GRCh38, 1-based): chr4:989,777, C>G on the plus strand (G>C on the coding strand, the complement: SLC26A1 is on the minus strand). VCF-style: chr4-989777-C-G. GRCh37 (hg19) VCF-style: chr4-983565-C-G.
Other names: c.1162G>C, p.Ala388Pro (NM_213613.4); c.576+1351G>C (NM_134425.4); c.299+1828C>G (NM_000203.5); short protein forms A388P.
Identifiers: ClinVar variation 4745616 (VCV004745616.1).

ClinVar aggregate classification (germline): Uncertain significance (1 of 4 stars; one submission).

Submission:

Labcorp Genetics (formerly Invitae), Labcorp
Classification: Uncertain significance. Last evaluated: 2026-01-25. Review status: criteria provided, single submitter. Criteria: Invitae Variant Classification Sherloc (09022015). Collection method: clinical testing. Allele origin: germline.
Comment: This sequence change replaces alanine, which is neutral and non-polar, with proline, which is neutral and non-polar, at codon 388 of the SLC26A1 protein (p.Ala388Pro). This variant is not present in population databases (gnomAD no frequency). This variant has not been reported in the literature in individuals affected with SLC26A1-related conditions. Invitae Evidence Modeling of protein sequence and biophysical properties (such as structural, functional, and spatial information, amino acid conservation, physicochemical variation, residue mobility, and thermodynamic stability) indicates that this missense variant is not expected to disrupt SLC26A1 protein function with a negative predictive value of 80%. In summary, the available evidence is currently insufficient to determine the role of this variant in disease. Therefore, it has been classified as a Variant of Uncertain Significance.